The following is an entry in ClinVar:

NM_030973.4(MED25):c.1981C>G (p.Pro661Ala)

Gene: MED25 (mediator complex subunit 25; plus strand). Cytogenetic location: 19q13.33.
Variant type: single nucleotide variant.
Coding change: c.1981C>G on transcript NM_030973.4 (MANE Select); coding-DNA position 1981, C replaced by G.
Protein change: p.Pro661Ala; replaces proline 661 with alanine.
Molecular consequence: missense variant.
Genome position (GRCh38, 1-based): chr19:49,836,241, C>G. VCF-style: chr19-49836241-C-G. GRCh37 (hg19) VCF-style: chr19-50339498-C-G.
Other names: c.1981C>G, p.Pro661Ala (NM_001378355.1); short protein forms P661A.
Identifiers: ClinVar variation 565620 (VCV000565620.7), dbSNP rs748129176, ClinGen allele CA9585449.

ClinVar aggregate classification (germline): Uncertain significance. Review status: criteria provided, multiple submitters, no conflicts (2 of 4 stars). 2 submissions from 2 submitters: Uncertain significance (2). Last evaluated 2024-08-20.

Conditions:
Inborn genetic diseases. Identifiers: MedGen C0950123, MeSH D030342.
Charcot-Marie-Tooth disease type 2. Also called: Charcot-Marie-Tooth type 2. Identifiers: Orphanet 64746, MedGen C0270914, MONDO:0018993.

Allele frequency attached by ClinVar (database versions not stated): gnomAD below 0.00001 and 0.00001; TOPMed 0.00001; ExAC 0.00001; gnomAD exomes 0.00001.
gnomAD v4.1: 16 of 1,612,020 alleles (0.00099%); highest among the groups gnomAD compares: South Asian, 0.0055%; no homozygotes.

Submissions (2):

Ambry Genetics
Classification: Uncertain significance for Inborn genetic diseases. Last evaluated: 2024-08-20. Review status: criteria provided, single submitter. Criteria: Ambry Variant Classification Scheme 2023. Collection method: clinical testing. Allele origin: germline.

Labcorp Genetics (formerly Invitae), Labcorp
Classification: Uncertain significance for Charcot-Marie-Tooth disease type 2. Last evaluated: 2023-01-19. Review status: criteria provided, single submitter. Criteria: Invitae Variant Classification Sherloc (09022015). Collection method: clinical testing. Allele origin: germline.
Comment: In summary, the available evidence is currently insufficient to determine the role of this variant in disease. Therefore, it has been classified as a Variant of Uncertain Significance. Algorithms developed to predict the effect of missense changes on protein structure and function are either unavailable or do not agree on the potential impact of this missense change (SIFT: "Deleterious"; PolyPhen-2: "Possibly Damaging"; Align-GVGD: "Class C0"). ClinVar contains an entry for this variant (Variation ID: 565620). This variant has not been reported in the literature in individuals affected with MED25-related conditions. This variant is present in population databases (rs748129176, gnomAD 0.003%). This sequence change replaces proline, which is neutral and non-polar, with alanine, which is neutral and non-polar, at codon 661 of the MED25 protein (p.Pro661Ala).